The following is an entry in ClinVar:

ClinVar aggregate classification (germline): Uncertain significance (1 of 4 stars; one submission).

Conditions:
Glycogen storage disease due to muscle and heart glycogen synthase deficiency. Also called: MUSCLE GLYCOGEN SYNTHASE DEFICIENCY; GSD 0b. Identifiers: Orphanet 137625, MedGen C1969054, MONDO:0012693, OMIM 611556.

Submission:

Labcorp Genetics (formerly Invitae), Labcorp
Classification: Uncertain significance for Glycogen storage disease due to muscle and heart glycogen synthase deficiency. Last evaluated: 2024-04-01. Review status: criteria provided, single submitter. Criteria: Invitae Variant Classification Sherloc (09022015). Collection method: clinical testing. Allele origin: germline.
Comment: This sequence change replaces proline, which is neutral and non-polar, with arginine, which is basic and polar, at codon 694 of the GYS1 protein (p.Pro694Arg). This variant is not present in population databases (gnomAD no frequency). This variant has not been reported in the literature in individuals affected with GYS1-related conditions. ClinVar contains an entry for this variant (Variation ID: 2066982). An algorithm developed to predict the effect of missense changes on protein structure and function (PolyPhen-2) suggests that this variant is likely to be tolerated. In summary, the available evidence is currently insufficient to determine the role of this variant in disease. Therefore, it has been classified as a Variant of Uncertain Significance.

NM_002103.5(GYS1):c.2081C>G (p.Pro694Arg)

Gene: GYS1 (glycogen synthase 1; minus strand). Cytogenetic location: 19q13.33.
Variant type: single nucleotide variant.
Coding change: c.2081C>G on transcript NM_002103.5 (MANE Select); coding-DNA position 2081, C replaced by G.
Protein change: p.Pro694Arg; replaces proline 694 with arginine.
Molecular consequence: missense variant. On other transcripts: non-coding transcript variant (1).
Genome position (GRCh38, 1-based): chr19:48,969,421, G>C on the plus strand (C>G on the coding strand, the complement: GYS1 is on the minus strand). VCF-style: chr19-48969421-G-C. GRCh37 (hg19) VCF-style: chr19-49472678-G-C.
Other names: c.1889C>G, p.Pro630Arg (NM_001161587.2); short protein forms P630R, P694R.
Identifiers: ClinVar variation 2066982 (VCV002066982.3), dbSNP rs2038516469, ClinGen allele CA406759254.
Genomic context (GRCh38, chr19:48,969,421, plus strand): 5'-GCCGTGTCCACAGAGTTGCGCTTGCTGCCGCTGGTGGAGGAGGTGCAGGACGCTCGGCGC[G>C]GCCACTCTGGTGCACGGATGTTGCGCCGGTCCTTGGCGGCCTCCTCGTCCTCATCGTAGC-3'
Protein context (NP_002094.2, residues 684-704): DRRNIRAPEW[Pro694Arg]RRASCTSSTS